The following is an entry in ClinVar:

NM_024411.5(PDYN):c.*760G>C

Genes: PDYN (prodynorphin; minus strand), PDYN-AS1 (PDYN antisense RNA 1; plus strand). Cytogenetic location: 20p13.
Variant type: single nucleotide variant.
Coding change: c.*760G>C on transcript NM_024411.5 (MANE Select); 760 bases downstream of the stop codon, G replaced by C.
Molecular consequence: 3 prime UTR variant.
Genome position (GRCh38, 1-based): chr20:1,979,563, C>G on the plus strand (G>C on the coding strand, the complement: PDYN is on the minus strand). VCF-style: chr20-1979563-C-G. GRCh37 (hg19) VCF-style: chr20-1960209-C-G.
Other names: c.*760G>C (NM_001190892.1, NM_001190898.3, NM_001190899.2 and 1 more transcripts).
Identifiers: ClinVar variation 898048 (VCV000898048.28), dbSNP rs767631485, ClinGen allele CA310824758.
Genomic context (GRCh38, chr20:1,979,563, plus strand): 5'-CCTTGATCATTTAAGCATTCAAGAGGCTGCTCTCAATCATTTCCGAAAGAGGTTTTCACT[C>G]CCTTCTGTAAGGAGTTAGGCACTGTCCAGGGTACCAACATGACTGGGAGTTCAGGAAGTC-3'

ClinVar aggregate classification (germline): Conflicting classifications of pathogenicity. Review status: criteria provided, conflicting classifications (1 of 4 stars). 2 submissions from 2 submitters: Uncertain significance (1); Benign (1). Last evaluated 2022-08-01.

Conditions:
Spinocerebellar ataxia type 23 (SCA23). Identifiers: Orphanet 101108, MedGen C1853250, MONDO:0012449, OMIM 610245.

Allele frequency attached by ClinVar (database versions not stated): TOPMed 0.00014.
gnomAD v4.1: 53 of 152,248 alleles (0.035%); highest among the groups gnomAD compares: Admixed American, 0.33%; no homozygotes.

Submissions (2):

CeGaT Center for Human Genetics Tuebingen
Classification: Benign. Last evaluated: 2022-08-01. Review status: criteria provided, single submitter. Criteria: CeGaT Center For Human Genetics Tuebingen Variant Classification Criteria Version 2. Collection method: clinical testing. Allele origin: germline. Affected: yes. Observed: 1 variant allele.
Comment: PDYN: BS1, BS2

Illumina Laboratory Services, Illumina
Classification: Uncertain significance for Spinocerebellar ataxia type 23. Last evaluated: 2018-03-02. Review status: criteria provided, single submitter. Criteria: ICSL Variant Classification Criteria 13 December 2019. Collection method: clinical testing. Allele origin: germline.